The following is an entry in ClinVar:

NM_024312.5(GNPTAB):c.580G>A (p.Ala194Thr)

Gene: GNPTAB (N-acetylglucosamine-1-phosphate transferase subunits alpha and beta; minus strand). Cytogenetic location: 12q23.2.
Variant type: single nucleotide variant.
Coding change: c.580G>A on transcript NM_024312.5 (MANE Select); coding-DNA position 580, G replaced by A.
Protein change: p.Ala194Thr; replaces alanine 194 with threonine.
Molecular consequence: missense variant.
Genome position (GRCh38, 1-based): chr12:101,780,613, C>T on the plus strand (G>A on the coding strand, the complement: GNPTAB is on the minus strand). VCF-style: chr12-101780613-C-T. GRCh37 (hg19) VCF-style: chr12-102174391-C-T.
Other names: short protein forms A194T.
Identifiers: ClinVar variation 1364176 (VCV001364176.4), dbSNP rs767422341, ClinGen allele CA6746832.
Genomic context (GRCh38, chr12:101,780,613, plus strand): 5'-ATACCAAGTAGCCCCTCCATACTGTCTGTCTGCTATTTCCTTTAAGCAGTCCAGAGTGGG[C>T]ATCTTCAACTACAACCAAGAATACAATAAACAAGCACATTTTTAATGAATACTCAACTAT-3'
Protein context (NP_077288.2, residues 184-204): VFDSTKDVED[Ala194Thr]HSGLLKGNSR

ClinVar aggregate classification (germline): Uncertain significance (1 of 4 stars; one submission).

Conditions:
Pseudo-Hurler polydystrophy. Also called: ML III; ML III ALPHA/BETA; MUCOLIPIDOSIS IIIA; Type III Mucolipidosis; ML IIIA; Mucolipidosis III Alpha/Beta. Identifiers: Orphanet 423461, Orphanet 577, MedGen C0033788, MONDO:0018931, OMIM 252600.
Mucolipidosis type II. Also called: ML II ALPHA/BETA; Mucolipidosis 2; ML 2; Inclusion cell disease; Leroy Disease; N-acetylglucosamine 1phosphotransferase deficiency. Identifiers: Orphanet 576, MedGen C2673377, MONDO:0009650, OMIM 252500.

Allele frequency attached by ClinVar (database versions not stated): gnomAD exomes 0.00003 and 0.00008; ExAC 0.00004; TOPMed 0.00002; gnomAD 0.00003.
gnomAD v4.1: 44 of 1,605,722 alleles (0.0027%); highest among the groups gnomAD compares: Non-Finnish European, 0.00085%; no homozygotes.

Submission:

Labcorp Genetics (formerly Invitae), Labcorp
Classification: Uncertain significance for Pseudo-Hurler polydystrophy; Mucolipidosis type II. Last evaluated: 2024-08-12. Review status: criteria provided, single submitter. Criteria: Invitae Variant Classification Sherloc (09022015). Collection method: clinical testing. Allele origin: germline.
Comment: This sequence change replaces alanine, which is neutral and non-polar, with threonine, which is neutral and polar, at codon 194 of the GNPTAB protein (p.Ala194Thr). This variant is present in population databases (rs767422341, gnomAD 0.2%). This variant has not been reported in the literature in individuals affected with GNPTAB-related conditions. ClinVar contains an entry for this variant (Variation ID: 1364176). Advanced modeling of protein sequence and biophysical properties (such as structural, functional, and spatial information, amino acid conservation, physicochemical variation, residue mobility, and thermodynamic stability) performed at Invitae indicates that this missense variant is not expected to disrupt GNPTAB protein function with a negative predictive value of 80%. In summary, the available evidence is currently insufficient to determine the role of this variant in disease. Therefore, it has been classified as a Variant of Uncertain Significance.